The following is an entry in ClinVar:

ClinVar aggregate classification (germline): Uncertain significance (1 of 4 stars; one submission).

gnomAD v4.1: 1 of 1,612,610 alleles (0.000062%); highest among the groups gnomAD compares: African/African-American, 0.0013%; no homozygotes.

Submission:

Labcorp Genetics (formerly Invitae), Labcorp
Classification: Uncertain significance. Last evaluated: 2025-02-12. Review status: criteria provided, single submitter. Criteria: Invitae Variant Classification Sherloc (09022015). Collection method: clinical testing. Allele origin: germline.
Comment: This sequence change replaces alanine, which is neutral and non-polar, with valine, which is neutral and non-polar, at codon 722 of the CACNA1E protein (p.Ala722Val). This variant is not present in population databases (gnomAD no frequency). This variant has not been reported in the literature in individuals affected with CACNA1E-related conditions. ClinVar contains an entry for this variant (Variation ID: 2793010). Invitae Evidence Modeling of protein sequence and biophysical properties (such as structural, functional, and spatial information, amino acid conservation, physicochemical variation, residue mobility, and thermodynamic stability) has been performed for this missense variant. However, the output from this modeling did not meet the statistical confidence thresholds required to predict the impact of this variant on CACNA1E protein function. In summary, the available evidence is currently insufficient to determine the role of this variant in disease. Therefore, it has been classified as a Variant of Uncertain Significance.

NM_001205293.3(CACNA1E):c.2165C>T (p.Ala722Val)

Gene: CACNA1E (calcium voltage-gated channel subunit alpha1 E; plus strand). Cytogenetic location: 1q25.3.
Variant type: single nucleotide variant.
Coding change: c.2165C>T on transcript NM_001205293.3 (MANE Select); coding-DNA position 2165, C replaced by T.
Protein change: p.Ala722Val; replaces alanine 722 with valine.
Molecular consequence: missense variant.
Genome position (GRCh38, 1-based): chr1:181,726,087, C>T. VCF-style: chr1-181726087-C-T. GRCh37 (hg19) VCF-style: chr1-181695223-C-T.
Other names: c.2165C>T, p.Ala722Val (NM_000721.4, NM_001205294.2); short protein forms A722V.
Identifiers: ClinVar variation 2793010 (VCV002793010.3), dbSNP rs780350288, ClinGen allele CA343628559.